The following is an entry in ClinVar:

ClinVar aggregate classification (germline): Uncertain significance. Review status: criteria provided, multiple submitters, no conflicts (2 of 4 stars). 2 submissions from 2 submitters: Uncertain significance (2). Last evaluated 2023-11-08.

Conditions:
Familial hypocalciuric hypercalcemia (FHH). Also called: Familial benign hypercalcemia. Identifiers: Orphanet 405, MedGen C1809471, MONDO:0018458.
Autosomal dominant hypocalcemia 1 (HYPOC1). Also called: HYPOCALCEMIA, FAMILIAL. Identifiers: MedGen C3715128, MONDO:0011013, OMIM 601198.
Nephrolithiasis/nephrocalcinosis. Identifiers: MedGen CN580796.

Submissions (2):

Ambry Genetics
Classification: Uncertain significance for Nephrolithiasis/nephrocalcinosis. Last evaluated: 2023-11-08. Review status: criteria provided, single submitter. Criteria: Ambry Variant Classification Scheme 2023. Collection method: clinical testing. Allele origin: germline.
Comment: The p.K349E variant (also known as c.1045A>G), located in coding exon 3 of the CASR gene, results from an A to G substitution at nucleotide position 1045. The lysine at codon 349 is replaced by glutamic acid, an amino acid with similar properties. This amino acid position is not well conserved in available vertebrate species. In addition, the in silico prediction for this alteration is inconclusive. Since supporting evidence is limited at this time, the clinical significance of this alteration remains unclear.

Labcorp Genetics (formerly Invitae), Labcorp
Classification: Uncertain significance for Familial hypocalciuric hypercalcemia; Autosomal dominant hypocalcemia 1. Last evaluated: 2023-09-26. Review status: criteria provided, single submitter. Criteria: Invitae Variant Classification Sherloc (09022015). Collection method: clinical testing. Allele origin: germline.
Comment: This sequence change replaces lysine, which is basic and polar, with glutamic acid, which is acidic and polar, at codon 349 of the CASR protein (p.Lys349Glu). This variant is not present in population databases (gnomAD no frequency). This variant has not been reported in the literature in individuals affected with CASR-related conditions. ClinVar contains an entry for this variant (Variation ID: 818311). An algorithm developed to predict the effect of missense changes on protein structure and function (PolyPhen-2) suggests that this variant is likely to be tolerated. In summary, the available evidence is currently insufficient to determine the role of this variant in disease. Therefore, it has been classified as a Variant of Uncertain Significance.

NM_000388.4(CASR):c.1045A>G (p.Lys349Glu)

Gene: CASR (calcium sensing receptor; plus strand). Cytogenetic location: 3q21.1.
Variant type: single nucleotide variant.
Coding change: c.1045A>G on transcript NM_000388.4 (MANE Select); coding-DNA position 1045, A replaced by G.
Protein change: p.Lys349Glu; replaces lysine 349 with glutamic acid.
Molecular consequence: missense variant.
Genome position (GRCh38, 1-based): chr3:122,262,080, A>G. VCF-style: chr3-122262080-A-G. GRCh37 (hg19) VCF-style: chr3-121980927-A-G.
Other names: c.1045A>G, p.Lys349Glu (NM_001178065.2); short protein forms K349E.
Identifiers: ClinVar variation 818311 (VCV000818311.7), dbSNP rs1576859001, ClinGen allele CA354152344.
Genomic context (GRCh38, chr3:122,262,080, plus strand): 5'-GGCTTCCGGGAATTCCTGAAGAAGGTCCATCCCAGGAAGTCTGTCCACAATGGTTTTGCC[A>G]AGGAGTTTTGGGAAGAAACATTTAACTGCCACCTCCAAGAAGGTGCAAAAGGACCTTTAC-3'
Protein context (NP_000379.3, residues 339-359): PRKSVHNGFA[Lys349Glu]EFWEETFNCH